The following is an entry in ClinVar:

ClinVar aggregate classification (germline): Pathogenic (1 of 4 stars; one submission).

Conditions:
Landau-Kleffner syndrome (FESD). Also called: EPILEPSY, FOCAL, WITH SPEECH DISORDER AND WITH OR WITHOUT MENTAL RETARDATION; APHASIA, ACQUIRED, WITH EPILEPSY. Identifiers: Orphanet 1945, Orphanet 725, Orphanet 98818, MedGen C0282512, MONDO:0009509, OMIM 245570.

Submission:

Labcorp Genetics (formerly Invitae), Labcorp
Classification: Pathogenic for Landau-Kleffner syndrome. Last evaluated: 2023-01-12. Review status: criteria provided, single submitter. Criteria: Invitae Variant Classification Sherloc (09022015). Collection method: clinical testing. Allele origin: germline.
Comment: For these reasons, this variant has been classified as Pathogenic. This variant has not been reported in the literature in individuals affected with GRIN2A-related conditions. ClinVar contains an entry for this variant (Variation ID: 641340). This variant is not present in population databases (gnomAD no frequency). This sequence change creates a premature translational stop signal (p.Leu550*) in the GRIN2A gene. It is expected to result in an absent or disrupted protein product. Loss-of-function variants in GRIN2A are known to be pathogenic (PMID: 23933819, 23933820).

Literature cited by the submitters: PubMed 23933819; PubMed 23933820.

NM_001134407.3(GRIN2A):c.1648del (p.Phe549_Leu550insTer)

Gene: GRIN2A (glutamate ionotropic receptor NMDA type subunit 2A; minus strand). Cytogenetic location: 16p13.2.
Variant type: Deletion.
Coding change: c.1648del on transcript NM_001134407.3 (MANE Select); coding-DNA position 1648, one base deleted (C; older notation c.1648delC).
Protein change: p.Phe549_Leu550insTer.
Molecular consequence: nonsense.
Genome position (GRCh38, 1-based): chr16:9,840,650, G deleted on the plus strand (C on the coding strand, the reverse complement: GRIN2A is on the minus strand). VCF-style (leftmost placement, unchanged base first): chr16-9840649-AG-A. GRCh37 (hg19) VCF-style: chr16-9934506-AG-A.
Other names: c.1648del, p.Phe549_Leu550insTer (NM_000833.5, NM_001134408.2); c.1648del (NM_000833.4).
Identifiers: ClinVar variation 641340 (VCV000641340.8), dbSNP rs1596483044, ClinGen allele CA915949125.
Genomic context (GRCh38, chr16:9,840,649, plus strand): 5'-AACAAGATTTCCTACAATTCCTTATAGGAAAGCAATAGTCACTATGAAATTCACACACCT[AG>A]AAAAGCAGAAGGTGAGACGGTGCCATTACTTCTTGAAACCATGACACTGATTCCCGTTTC-3'